The following is an entry in ClinVar:

NM_133259.4(LRPPRC):c.1115T>C (p.Phe372Ser)

Gene: LRPPRC (leucine rich pentatricopeptide repeat containing; minus strand). Cytogenetic location: 2p21.
Variant type: single nucleotide variant.
Coding change: c.1115T>C on transcript NM_133259.4 (MANE Select); coding-DNA position 1115, T replaced by C.
Protein change: p.Phe372Ser; replaces phenylalanine 372 with serine.
Molecular consequence: missense variant.
Genome position (GRCh38, 1-based): chr2:43,974,190, A>G on the plus strand (T>C on the coding strand, the complement: LRPPRC is on the minus strand). VCF-style: chr2-43974190-A-G. GRCh37 (hg19) VCF-style: chr2-44201329-A-G.
Other names: c.1115T>C (NM_133259.3); short protein forms F372S.
Identifiers: ClinVar variation 1372100 (VCV001372100.5), dbSNP rs750418542, ClinGen allele CA1639098.

ClinVar aggregate classification (germline): Uncertain significance. Review status: criteria provided, multiple submitters, no conflicts (2 of 4 stars). 3 submissions from 3 submitters: Uncertain significance (3). Last evaluated 2025-05-05.

Conditions:
Inborn genetic diseases. Identifiers: MedGen C0950123, MeSH D030342.

Allele frequency attached by ClinVar (database versions not stated): ExAC 0.00001; gnomAD exomes 0.00001 and 0.00002; gnomAD 0.00004 and 0.00005; TOPMed 0.00005.
gnomAD v4.1: 30 of 1,613,686 alleles (0.0019%); highest among the groups gnomAD compares: Admixed American, 0.015%; no homozygotes.

Submissions (3):

Ambry Genetics
Classification: Uncertain significance for Inborn genetic diseases. Last evaluated: 2025-05-05. Review status: criteria provided, single submitter. Criteria: Ambry Variant Classification Scheme 2023. Collection method: clinical testing. Allele origin: germline.

Blueprint Genetics
Classification: Uncertain significance. Last evaluated: 2024-04-22. Review status: criteria provided, single submitter. Criteria: ACMG Guidelines, 2015. Collection method: clinical testing. Allele origin: germline.

Labcorp Genetics (formerly Invitae), Labcorp
Classification: Uncertain significance. Last evaluated: 2022-08-31. Review status: criteria provided, single submitter. Criteria: Invitae Variant Classification Sherloc (09022015). Collection method: clinical testing. Allele origin: germline.
Comment: This sequence change replaces phenylalanine, which is neutral and non-polar, with serine, which is neutral and polar, at codon 372 of the LRPPRC protein (p.Phe372Ser). This variant is present in population databases (rs750418542, gnomAD 0.01%). This variant has not been reported in the literature in individuals affected with LRPPRC-related conditions. ClinVar contains an entry for this variant (Variation ID: 1372100). Algorithms developed to predict the effect of missense changes on protein structure and function (SIFT, PolyPhen-2, Align-GVGD) all suggest that this variant is likely to be tolerated. In summary, the available evidence is currently insufficient to determine the role of this variant in disease. Therefore, it has been classified as a Variant of Uncertain Significance.